The following is an entry in ClinVar:

ClinVar aggregate classification (germline): Uncertain significance (1 of 4 stars; one submission).

Conditions:
Propionic acidemia (PROP). Also called: GLYCINEMIA, KETOTIC; HYPERGLYCINEMIA WITH KETOACIDOSIS AND LEUKOPENIA; KETOTIC HYPERGLYCINEMIA. Identifiers: Orphanet 35, MedGen C0268579, MONDO:0011628, OMIM 606054, HP:0003571.

Allele frequency attached by ClinVar (database versions not stated): gnomAD exomes below 0.00001; ExAC 0.00001; gnomAD 0.00001.
gnomAD v4.1: 5 of 1,614,082 alleles (0.00031%); highest among the groups gnomAD compares: East Asian, 0.0022%; no homozygotes.

Submission:

Labcorp Genetics (formerly Invitae), Labcorp
Classification: Uncertain significance for Propionic acidemia. Last evaluated: 2024-02-24. Review status: criteria provided, single submitter. Criteria: Invitae Variant Classification Sherloc (09022015). Collection method: clinical testing. Allele origin: germline.
Comment: This sequence change replaces lysine, which is basic and polar, with arginine, which is basic and polar, at codon 525 of the PCCB protein (p.Lys525Arg). This variant is present in population databases (rs780911121, gnomAD 0.006%). This variant has not been reported in the literature in individuals affected with PCCB-related conditions. ClinVar contains an entry for this variant (Variation ID: 1954254). Advanced modeling of protein sequence and biophysical properties (such as structural, functional, and spatial information, amino acid conservation, physicochemical variation, residue mobility, and thermodynamic stability) has been performed at Invitae for this missense variant, however the output from this modeling did not meet the statistical confidence thresholds required to predict the impact of this variant on PCCB protein function. In summary, the available evidence is currently insufficient to determine the role of this variant in disease. Therefore, it has been classified as a Variant of Uncertain Significance.

NM_000532.5(PCCB):c.1574A>G (p.Lys525Arg)

Gene: PCCB (propionyl-CoA carboxylase subunit beta; plus strand). Cytogenetic location: 3q22.3.
Variant type: single nucleotide variant.
Coding change: c.1574A>G on transcript NM_000532.5 (MANE Select); coding-DNA position 1574, A replaced by G.
Protein change: p.Lys525Arg; replaces lysine 525 with arginine.
Molecular consequence: missense variant.
Genome position (GRCh38, 1-based): chr3:136,329,980, A>G. VCF-style: chr3-136329980-A-G. GRCh37 (hg19) VCF-style: chr3-136048822-A-G.
Other names: c.1634A>G, p.Lys545Arg (NM_001178014.2); short protein forms K545R, K525R.
Identifiers: ClinVar variation 1954254 (VCV001954254.4), dbSNP rs780911121, ClinGen allele CA2632239.